The following is an entry in ClinVar:

NM_017780.4(CHD7):c.5501G>C (p.Arg1834Thr)

Gene: CHD7 (chromodomain helicase DNA binding protein 7; plus strand). Cytogenetic location: 8q12.2.
Variant type: single nucleotide variant.
Coding change: c.5501G>C on transcript NM_017780.4 (MANE Select); coding-DNA position 5501, G replaced by C.
Protein change: p.Arg1834Thr; replaces arginine 1834 with threonine.
Molecular consequence: missense variant. On other transcripts: intron variant (1).
Genome position (GRCh38, 1-based): chr8:60,850,589, G>C. VCF-style: chr8-60850589-G-C. GRCh37 (hg19) VCF-style: chr8-61763148-G-C.
Other names: c.1717-11640G>C (NM_001316690.1); short protein forms R1834T.
Identifiers: ClinVar variation 3053916 (VCV003053916.2), dbSNP rs1454656715, ClinGen allele CA371321746.

ClinVar aggregate classification (germline): Uncertain significance (0 of 4 stars; one submission).

Conditions:
CHD7-related disorder. Also called: CHD7-related condition.

Submission:

PreventionGenetics, part of Exact Sciences
Classification: Uncertain significance for CHD7-related condition. Last evaluated: 2024-01-02. Review status: no assertion criteria provided. Collection method: clinical testing. Allele origin: germline.
Comment: The CHD7 c.5501G>C variant is predicted to result in the amino acid substitution p.Arg1834Thr. To our knowledge, this variant has not been reported in the literature or in a large population database, indicating this variant is rare. At this time, the clinical significance of this variant is uncertain due to the absence of conclusive functional and genetic evidence.